The following is an entry in ClinVar:

NM_012414.4(RAB3GAP2):c.4180T>A (p.Ter1394Arg)

Gene: RAB3GAP2 (RAB3 GTPase activating non-catalytic protein subunit 2; minus strand). Cytogenetic location: 1q41.
Variant type: single nucleotide variant.
Coding change: c.4180T>A on transcript NM_012414.4 (MANE Select); coding-DNA position 4180, T replaced by A.
Protein change: p.Ter1394Arg.
Molecular consequence: stop lost.
Genome position (GRCh38, 1-based): chr1:220,151,253, A>T on the plus strand (T>A on the coding strand, the complement: RAB3GAP2 is on the minus strand). VCF-style: chr1-220151253-A-T. GRCh37 (hg19) VCF-style: chr1-220324595-A-T.
Identifiers: ClinVar variation 1966419 (VCV001966419.5), dbSNP rs1262016596, ClinGen allele CA344622042.

ClinVar aggregate classification (germline): Uncertain significance (1 of 4 stars; one submission).

Conditions:
Warburg micro syndrome 2 (WARBM2). Also called: MICRO SYNDROME 2. Identifiers: Orphanet 2510, MedGen C3280214, MONDO:0013641, OMIM 614225.
Martsolf syndrome (MARTS). Also called: Congenital cataract with intellectual disability and hypogonadotropic hypogonadism syndrome. Identifiers: Orphanet 1387, MedGen C0796037, MONDO:0023910.

Allele frequency attached by ClinVar (database versions not stated): TOPMed below 0.00001.
gnomAD v4.1: 2 of 1,613,628 alleles (0.00012%); highest among the groups gnomAD compares: Admixed American, 0.0033%; no homozygotes.

Submission:

Labcorp Genetics (formerly Invitae), Labcorp
Classification: Uncertain significance for Martsolf syndrome; Warburg micro syndrome 2. Last evaluated: 2022-06-13. Review status: criteria provided, single submitter. Criteria: Invitae Variant Classification Sherloc (09022015). Collection method: clinical testing. Allele origin: germline.
Comment: In summary, the available evidence is currently insufficient to determine the role of this variant in disease. Therefore, it has been classified as a Variant of Uncertain Significance. This variant has not been reported in the literature in individuals affected with RAB3GAP2-related conditions. This variant is present in population databases (no rsID available, gnomAD 0.006%). This sequence change disrupts the translational stop signal of the RAB3GAP2 mRNA. It is expected to extend the length of the RAB3GAP2 protein by 11 additional amino acid residues.